The following is an entry in ClinVar:

ClinVar aggregate classification (germline): Uncertain significance. Review status: criteria provided, multiple submitters, no conflicts (2 of 4 stars). 2 submissions from 2 submitters: Uncertain significance (2). Last evaluated 2020-10-22.

gnomAD v4.1: 1 of 1,614,128 alleles (0.000062%); highest among the groups gnomAD compares: Non-Finnish European, 0.000085%; no homozygotes.

Submissions (2):

Labcorp Genetics (formerly Invitae), Labcorp
Classification: Uncertain significance. Last evaluated: 2020-10-22. Review status: criteria provided, single submitter. Criteria: Invitae Variant Classification Sherloc (09022015). Collection method: clinical testing. Allele origin: germline.
Comment: This sequence change replaces threonine with arginine at codon 24 of the ADIPOR1 protein (p.Thr24Arg). The threonine residue is moderately conserved and there is a moderate physicochemical difference between threonine and arginine. In summary, the available evidence is currently insufficient to determine the role of this variant in disease. Therefore, it has been classified as a Variant of Uncertain Significance. Algorithms developed to predict the effect of missense changes on protein structure and function (SIFT, PolyPhen-2, Align-GVGD) all suggest that this variant is likely to be tolerated, but these predictions have not been confirmed by published functional studies and their clinical significance is uncertain. This variant has not been reported in the literature in individuals with ADIPOR1-related conditions. This variant is not present in population databases (ExAC no frequency).

Breakthrough Genomics
Classification: Uncertain significance. Review status: criteria provided, single submitter. Criteria: ACMG Guidelines, 2015. Collection method: not provided. Allele origin: germline. Inheritance: Unknown mechanism. Affected: yes.

NM_015999.6(ADIPOR1):c.71C>G (p.Thr24Arg)

Gene: ADIPOR1 (adiponectin receptor 1; minus strand). Cytogenetic location: 1q32.1.
Variant type: single nucleotide variant.
Coding change: c.71C>G on transcript NM_015999.6 (MANE Select); coding-DNA position 71, C replaced by G.
Protein change: p.Thr24Arg; replaces threonine 24 with arginine.
Molecular consequence: missense variant.
Genome position (GRCh38, 1-based): chr1:202,951,000, G>C on the plus strand (C>G on the coding strand, the complement: ADIPOR1 is on the minus strand). VCF-style: chr1-202951000-G-C. GRCh37 (hg19) VCF-style: chr1-202920128-G-C.
Other names: c.71C>G, p.Thr24Arg (NM_001290553.2, NM_001290557.1, NM_001290629.1); short protein forms T24R.
Identifiers: ClinVar variation 1018629 (VCV001018629.9), dbSNP rs369139073, ClinGen allele CA344284735.